The following is an entry in ClinVar:

NM_002769.5(PRSS1):c.385C>T (p.Pro129Ser)

Genes: PRSS1 (serine protease 1; plus strand), TRB (T cell receptor beta locus; plus strand). Cytogenetic location: 7q34.
Variant type: single nucleotide variant.
Coding change: c.385C>T on transcript NM_002769.5 (MANE Select); coding-DNA position 385, C replaced by T.
Protein change: p.Pro129Ser; replaces proline 129 with serine.
Molecular consequence: missense variant. On other transcripts: non-coding transcript variant (5).
Genome position (GRCh38, 1-based): chr7:142,751,958, C>T. VCF-style: chr7-142751958-C-T. GRCh37 (hg19) VCF-style: chr7-142459809-C-T.
Other names: short protein forms P129S.
Identifiers: ClinVar variation 1735588 (VCV001735588.3), dbSNP rs1798775957, ClinGen allele CA369609016.

ClinVar aggregate classification (germline): Uncertain significance (1 of 4 stars; one submission).

Conditions:
Hereditary pancreatitis (PCTT). Also called: Hereditary chronic pancreatitis; PRSS1-Related Hereditary Pancreatitis. Identifiers: Orphanet 676, MedGen C0238339, MONDO:0008185, OMIM 167800.

Allele frequency attached by ClinVar (database versions not stated): gnomAD exomes below 0.00001; TOPMed 0.00001.
gnomAD v4.1: 1 of 1,614,060 alleles (0.000062%); highest among the groups gnomAD compares: Non-Finnish European, 0.000085%; no homozygotes.

Submission:

Ambry Genetics
Classification: Uncertain significance for Hereditary pancreatitis. Last evaluated: 2024-09-15. Review status: criteria provided, single submitter. Criteria: Ambry Variant Classification Scheme 2023. Collection method: clinical testing. Allele origin: germline.
Comment: The p.P129S variant (also known as c.385C>T), located in coding exon 3 of the PRSS1 gene, results from a C to T substitution at nucleotide position 385. The proline at codon 129 is replaced by serine, an amino acid with similar properties. This amino acid position is conserved. In addition, this alteration is predicted to be deleterious by in silico analysis. Since supporting evidence is limited at this time, the clinical significance of this alteration remains unclear.